The following is an entry in ClinVar:

ClinVar aggregate classification (germline): Uncertain significance (1 of 4 stars; one submission).

Conditions:
Inborn genetic diseases. Identifiers: MedGen C0950123, MeSH D030342.

Submission:

Ambry Genetics
Classification: Uncertain significance for Inborn genetic diseases. Last evaluated: 2025-11-20. Review status: criteria provided, single submitter. Criteria: Ambry Variant Classification Scheme 2023. Collection method: clinical testing. Allele origin: germline.
Comment: The p.T256A variant (also known as c.766A>G), located in coding exon 1 of the SAMD9 gene, results from an A to G substitution at nucleotide position 766. The threonine at codon 256 is replaced by alanine, an amino acid with similar properties. This amino acid position is conserved. In addition, this alteration is predicted to be tolerated by in silico analysis. Based on the available evidence, the clinical significance of this variant remains unclear.

NM_017654.4(SAMD9):c.766A>G (p.Thr256Ala)

Gene: SAMD9 (sterile alpha motif domain containing 9; minus strand). Cytogenetic location: 7q21.2.
Variant type: single nucleotide variant.
Coding change: c.766A>G on transcript NM_017654.4 (MANE Select); coding-DNA position 766, A replaced by G.
Protein change: p.Thr256Ala; replaces threonine 256 with alanine.
Molecular consequence: missense variant.
Genome position (GRCh38, 1-based): chr7:93,105,332, T>C on the plus strand (A>G on the coding strand, the complement: SAMD9 is on the minus strand). VCF-style: chr7-93105332-T-C. GRCh37 (hg19) VCF-style: chr7-92734645-T-C.
Other names: c.766A>G, p.Thr256Ala (NM_001193307.2); short protein forms T256A.
Identifiers: ClinVar variation 4629954 (VCV004629954.1).